The following is an entry in ClinVar:

NM_004304.5(ALK):c.3145G>T (p.Val1049Phe)

Gene: ALK (ALK receptor tyrosine kinase; minus strand). Cytogenetic location: 2p23.2.
Variant type: single nucleotide variant.
Coding change: c.3145G>T on transcript NM_004304.5 (MANE Select); coding-DNA position 3145, G replaced by T.
Protein change: p.Val1049Phe; replaces valine 1049 with phenylalanine.
Molecular consequence: missense variant.
Genome position (GRCh38, 1-based): chr2:29,225,488, C>A on the plus strand (G>T on the coding strand, the complement: ALK is on the minus strand). VCF-style: chr2-29225488-C-A. GRCh37 (hg19) VCF-style: chr2-29448354-C-A.
Other names: short protein forms V1049F.
Identifiers: ClinVar variation 3223857 (VCV003223857.1), dbSNP rs143452915, ClinGen allele CA346466821.
Genomic context (GRCh38, chr2:29,225,488, plus strand): 5'-CCCTTGGGAGTCCCTGGGGCTCTGTGCACTCACCAATCATGATGCCGGAGAAAGCCAGGA[C>A]CAGGGCGGCCACGAGGGCAGAGGTCACCACAGAGAGGATCAGCGAGAGTGGCAGGTGTGG-3'
Protein context (NP_004295.2, residues 1039-1059): VVTSALVAAL[Val1049Phe]LAFSGIMIVY

ClinVar aggregate classification (germline): Uncertain significance (1 of 4 stars; one submission).

Conditions:
Hereditary cancer-predisposing syndrome. Also called: Tumor predisposition; Hereditary neoplastic syndrome; Hereditary Cancer Syndrome; Neoplastic Syndromes, Hereditary. Identifiers: Orphanet 140162, MedGen C0027672, MeSH D009386, MONDO:0015356.

Submission:

Ambry Genetics
Classification: Uncertain significance for Hereditary cancer-predisposing syndrome. Last evaluated: 2023-09-29. Review status: criteria provided, single submitter. Criteria: Ambry Variant Classification Scheme 2023. Collection method: clinical testing. Allele origin: germline.
Comment: The p.V1049F variant (also known as c.3145G>T), located in coding exon 19 of the ALK gene, results from a G to T substitution at nucleotide position 3145. The valine at codon 1049 is replaced by phenylalanine, an amino acid with highly similar properties. This amino acid position is conserved. In addition, the in silico prediction for this alteration is inconclusive. Since supporting evidence is limited at this time, the clinical significance of this alteration remains unclear.